The following is an entry in ClinVar:

NM_000268.4(NF2):c.924G>A (p.Met308Ile)

Gene: NF2 (NF2, moesin-ezrin-radixin like (MERLIN) tumor suppressor; plus strand). Cytogenetic location: 22q12.2.
Variant type: single nucleotide variant.
Coding change: c.924G>A on transcript NM_000268.4 (MANE Select); coding-DNA position 924, G replaced by A.
Protein change: p.Met308Ile; replaces methionine 308 with isoleucine.
Molecular consequence: missense variant. On other transcripts: non-coding transcript variant (1), intron variant (1).
Genome position (GRCh38, 1-based): chr22:29,668,371, G>A. VCF-style: chr22-29668371-G-A. GRCh37 (hg19) VCF-style: chr22-30064360-G-A.
Other names: c.924G>A, p.Met308Ile (NM_016418.5, NM_181825.3, NM_181832.3); c.798G>A, p.Met266Ile (NM_181828.3); c.801G>A, p.Met267Ile (NM_181829.3); c.675G>A, p.Met225Ile (NM_181830.3, NM_181831.3); c.447+26086G>A (NM_181833.3); short protein forms M225I, M266I, M308I, M267I.
Identifiers: ClinVar variation 1432845 (VCV001432845.6), dbSNP rs2147052129, ClinGen allele CA411145734.

ClinVar aggregate classification (germline): Uncertain significance (1 of 4 stars; one submission).

Conditions:
Neurofibromatosis, type 2 (SWNV). Also called: BILATERAL ACOUSTIC NEUROFIBROMATOSIS; SCHWANNOMATOSIS, VESTIBULAR; NF2-Related Schwannomatosis. Identifiers: Orphanet 637, MedGen C0027832, MONDO:0007039, OMIM 101000. Disease mechanism: loss of function.

Submission:

Labcorp Genetics (formerly Invitae), Labcorp
Classification: Uncertain significance for Neurofibromatosis, type 2. Last evaluated: 2021-08-12. Review status: criteria provided, single submitter. Criteria: Invitae Variant Classification Sherloc (09022015). Collection method: clinical testing. Allele origin: germline.
Comment: This variant is not present in population databases (ExAC no frequency). This sequence change replaces methionine with isoleucine at codon 308 of the NF2 protein (p.Met308Ile). The methionine residue is highly conserved and there is a small physicochemical difference between methionine and isoleucine. This variant has not been reported in the literature in individuals affected with NF2-related conditions. In summary, the available evidence is currently insufficient to determine the role of this variant in disease. Therefore, it has been classified as a Variant of Uncertain Significance. Algorithms developed to predict the effect of missense changes on protein structure and function are either unavailable or do not agree on the potential impact of this missense change (SIFT: "Deleterious"; PolyPhen-2: "Benign"; Align-GVGD: "Class C0").